The following is an entry in ClinVar:

ClinVar aggregate classification (germline): Uncertain significance (1 of 4 stars; one submission).

Submission:

Women's Health and Genetics/Laboratory Corporation of America, LabCorp
Classification: Uncertain significance. Last evaluated: 2024-09-20. Review status: criteria provided, single submitter. Criteria: LabCorp Variant Classification Summary - May 2015. Collection method: clinical testing. Allele origin: germline.
Comment: Variant summary: ACD c.1184C>T (p.Ala395Val) results in a non-conservative amino acid change in the encoded protein sequence. Two of three in-silico tools predict a benign effect of the variant on protein function. The variant allele was found at a frequency of 9.9e-06 in 201848 control chromosomes. The available data on variant occurrences in the general population are insufficient to allow any conclusion about variant significance. To our knowledge, no occurrence of c.1184C>T in individuals affected with Dyskeratosis Congenita, Autosomal Dominant 6 and no experimental evidence demonstrating its impact on protein function have been reported. No submitters have cited clinical-significance assessments for this variant to ClinVar. Based on the evidence outlined above, the variant was classified as uncertain significance.

NM_001082486.2(ACD):c.1184C>T (p.Ala395Val)

Gene: ACD (ACD shelterin complex subunit and telomerase recruitment factor; minus strand). Cytogenetic location: 16q22.1.
Variant type: single nucleotide variant.
Coding change: c.1184C>T on transcript NM_001082486.2 (MANE Select); coding-DNA position 1184, C replaced by T.
Protein change: p.Ala395Val; replaces alanine 395 with valine.
Molecular consequence: missense variant.
Genome position (GRCh38, 1-based): chr16:67,658,008, G>A on the plus strand (C>T on the coding strand, the complement: ACD is on the minus strand). VCF-style: chr16-67658008-G-A. GRCh37 (hg19) VCF-style: chr16-67691911-G-A.
Other names: c.1097C>T, p.Ala366Val (NM_001410884.1); c.1175C>T, p.Ala392Val (NM_022914.3); short protein forms A366V, A392V, A395V.
Identifiers: ClinVar variation 3375354 (VCV003375354.1).